The following is an entry in ClinVar:

ClinVar aggregate classification (germline): Uncertain significance. Review status: criteria provided, multiple submitters, no conflicts (2 of 4 stars). 2 submissions from 2 submitters: Uncertain significance (2). Last evaluated 2022-07-20.

Conditions:
Chédiak-Higashi syndrome (CHS). Also called: Chediak-Higashi Syndrome. Identifiers: Orphanet 167, MedGen C0007965, MONDO:0008963, OMIM 214500.

Allele frequency attached by ClinVar (database versions not stated): gnomAD exomes below 0.00001; TOPMed 0.00002; gnomAD 0.00003.
gnomAD v4.1: 8 of 1,614,000 alleles (0.0005%); highest among the groups gnomAD compares: African/African-American, 0.008%; no homozygotes.

Submissions (2):

Labcorp Genetics (formerly Invitae), Labcorp
Classification: Uncertain significance for Chédiak-Higashi syndrome. Last evaluated: 2022-07-20. Review status: criteria provided, single submitter. Criteria: Invitae Variant Classification Sherloc (09022015). Collection method: clinical testing. Allele origin: germline.
Comment: The frequency data for this variant in the population databases is considered unreliable, as metrics indicate poor data quality at this position in the gnomAD database. This sequence change replaces tyrosine, which is neutral and polar, with cysteine, which is neutral and slightly polar, at codon 3349 of the LYST protein (p.Tyr3349Cys). This variant has not been reported in the literature in individuals affected with LYST-related conditions. In summary, the available evidence is currently insufficient to determine the role of this variant in disease. Therefore, it has been classified as a Variant of Uncertain Significance. Algorithms developed to predict the effect of missense changes on protein structure and function output the following: SIFT: "Tolerated"; PolyPhen-2: "Benign"; Align-GVGD: "Class C0". The cysteine amino acid residue is found in multiple mammalian species, which suggests that this missense change does not adversely affect protein function.

Revvity Omics, Revvity
Classification: Uncertain significance for Chédiak-Higashi syndrome. Last evaluated: 2019-11-18. Review status: criteria provided, single submitter. Criteria: ACMG Guidelines, 2015. Collection method: clinical testing. Allele origin: germline.

NM_000081.4(LYST):c.10046A>G (p.Tyr3349Cys)

Genes: LYST (lysosomal trafficking regulator; minus strand), LOC126806063 (MED14-independent group 3 enhancer GRCh37_chr1:235871544-235872743; plus strand). Cytogenetic location: 1q42.3.
Variant type: single nucleotide variant.
Coding change: c.10046A>G on transcript NM_000081.4 (MANE Select); coding-DNA position 10046, A replaced by G.
Protein change: p.Tyr3349Cys; replaces tyrosine 3349 with cysteine.
Molecular consequence: missense variant.
Genome position (GRCh38, 1-based): chr1:235,709,188, T>C on the plus strand (A>G on the coding strand, the complement: LYST is on the minus strand). VCF-style: chr1-235709188-T-C. GRCh37 (hg19) VCF-style: chr1-235872488-T-C.
Other names: c.10046A>G, p.Tyr3349Cys (NM_001301365.1); short protein forms Y3349C.
Identifiers: ClinVar variation 1930983 (VCV001930983.6), dbSNP rs1391243948, ClinGen allele CA344935135.